The following is an entry in ClinVar:

ClinVar aggregate classification (germline): Uncertain significance (1 of 4 stars; one submission).

Allele frequency attached by ClinVar (database versions not stated): gnomAD exomes below 0.00001.
gnomAD v4.1: 2 of 1,614,084 alleles (0.00012%); highest among the groups gnomAD compares: South Asian, 0.0022%; no homozygotes.

Submission:

GeneDx
Classification: Uncertain significance. Last evaluated: 2019-05-31. Review status: criteria provided, single submitter. Criteria: GeneDx Variant Classification Process June 2021. Collection method: clinical testing. Allele origin: germline. Affected: yes.
Comment: Canonical splice site variant predicted to result in an in-frame deletion of a critical region; Has not been previously published as pathogenic or benign to our knowledge

NM_000493.4(COL10A1):c.688C>T (p.Gln230Ter)

Genes: COL10A1 (collagen type X alpha 1 chain; minus strand), NT5DC1 (5'-nucleotidase domain containing 1; plus strand). Cytogenetic location: 6q22.1.
Variant type: single nucleotide variant.
Coding change: c.688C>T on transcript NM_000493.4 (MANE Select); coding-DNA position 688, C replaced by T.
Protein change: p.Gln230Ter; replaces glutamine 230 with a stop codon.
Molecular consequence: nonsense. On other transcripts: intron variant (1).
Genome position (GRCh38, 1-based): chr6:116,121,428, G>A on the plus strand (C>T on the coding strand, the complement: COL10A1 is on the minus strand). VCF-style: chr6-116121428-G-A. GRCh37 (hg19) VCF-style: chr6-116442591-G-A.
Other names: c.688C>T, p.Gln230Ter (NM_001424106.1, NM_001424107.1); c.529+3483G>A (NM_152729.3); short protein forms Q230*.
Identifiers: ClinVar variation 1302543 (VCV001302543.2), dbSNP rs2114288676, ClinGen allele CA365393565.
Genomic context (GRCh38, chr6:116,121,428, plus strand): 5'-CTGGTGGGCCAATTGGTCCCATTTCTCCCGGAAAACCTCTATCACCTTTGATGCCTGGCT[G>A]TCCTGGAACCCCATTTTCACCTCTTTTTCCCACTCCAGGAGGGCCAGATGGTCCTGTGGG-3'